The following is an entry in ClinVar:

ClinVar aggregate classification (germline): Pathogenic/Likely pathogenic. Review status: criteria provided, multiple submitters, no conflicts (2 of 4 stars). 2 submissions from 2 submitters: Pathogenic (1); Likely pathogenic (1). Last evaluated 2025-01-13.

Conditions:
DNAJB13-related disorders.

gnomAD v4.1: 3 of 1,613,294 alleles (0.00019%); highest among the groups gnomAD compares: Non-Finnish European, 0.00025%; no homozygotes.

Submissions (2):

Labcorp Genetics (formerly Invitae), Labcorp
Classification: Pathogenic. Last evaluated: 2025-01-13. Review status: criteria provided, single submitter. Criteria: Invitae Variant Classification Sherloc (09022015). Collection method: clinical testing. Allele origin: germline.
Comment: This sequence change creates a premature translational stop signal (p.Gln136*) in the DNAJB13 gene. It is expected to result in an absent or disrupted protein product. Loss-of-function variants in DNAJB13 are known to be pathogenic (PMID: 27486783, 31650533). This variant is present in population databases (no rsID available, gnomAD 0.0009%). This variant has not been reported in the literature in individuals affected with DNAJB13-related conditions. For these reasons, this variant has been classified as Pathogenic.

Blueprint Genetics
Classification: Likely pathogenic for DNAJB13-related disorders. Last evaluated: 2022-09-21. Review status: criteria provided, single submitter. Criteria: ACMG Guidelines, 2015. Collection method: clinical testing. Allele origin: germline. Affected: yes. Observed: 1 variant allele.

Literature cited by the submitters: PubMed 27486783 (cited by Labcorp Genetics (formerly Invitae), Labcorp); PubMed 31650533 (cited by Labcorp Genetics (formerly Invitae), Labcorp).

NM_153614.4(DNAJB13):c.406C>T (p.Gln136Ter)

Gene: DNAJB13 (DnaJ heat shock protein family (Hsp40) member B13; plus strand). Cytogenetic location: 11q13.4.
Variant type: single nucleotide variant.
Coding change: c.406C>T on transcript NM_153614.4 (MANE Select); coding-DNA position 406, C replaced by T.
Protein change: p.Gln136Ter; replaces glutamine 136 with a stop codon.
Molecular consequence: nonsense.
Genome position (GRCh38, 1-based): chr11:73,964,949, C>T. VCF-style: chr11-73964949-C-T. GRCh37 (hg19) VCF-style: chr11-73675994-C-T.
Other names: c.232C>T, p.Gln78Ter (NM_001377263.1); short protein forms Q136*, Q78*.
Identifiers: ClinVar variation 3621175 (VCV003621175.3).